The following is an entry in ClinVar:

ClinVar aggregate classification (germline): Conflicting classifications of pathogenicity. Review status: criteria provided, conflicting classifications (1 of 4 stars). 5 submissions from 5 submitters: Uncertain significance (1); Benign (1); Likely benign (2). 1 of the submissions does not count toward it. Last evaluated 2026-09-01.

Conditions:
Mitochondrial complex I deficiency, nuclear type 1. Also called: NADH-COENZYME Q REDUCTASE DEFICIENCY; MITOCHONDRIAL NADH DEHYDROGENASE COMPONENT OF COMPLEX I, DEFICIENCY OF. Identifiers: MedGen C6022305, MONDO:0100224, OMIM 252010.

Allele frequency attached by ClinVar (database versions not stated): 1000 Genomes Project 0.00319; 1000 Genomes Project 30x 0.00328; TOPMed 0.00567; gnomAD 0.00670 and 0.00691; gnomAD exomes 0.00725; ESP Exome Variant Server 0.00771; ExAC 0.01198.
gnomAD v4.1: 11,760 of 1,405,526 alleles (0.84%); highest among the groups gnomAD compares: Non-Finnish European, 0.93%; 69 homozygotes.

Submissions (5):

CeGaT Center for Human Genetics Tuebingen
Classification: Likely benign. Last evaluated: 2026-09-01. Review status: criteria provided, single submitter. Criteria: CeGaT Center For Human Genetics Tuebingen Variant Classification Criteria Version 2. Collection method: clinical testing. Allele origin: germline. Affected: yes. Observed: 26 variant alleles.
Comment: NUBPL: BP4, BS2

Blueprint Genetics
Classification: Likely benign. Last evaluated: 2024-11-26. Review status: criteria provided, single submitter. Criteria: ACMG Guidelines, 2015. Collection method: clinical testing. Allele origin: germline.

Illumina Laboratory Services, Illumina
Classification: Uncertain significance for Mitochondrial complex I deficiency, nuclear type 1. Last evaluated: 2018-01-12. Review status: criteria provided, single submitter. Criteria: ICSL Variant Classification Criteria 13 December 2019. Collection method: clinical testing. Allele origin: germline.

GeneDx
Classification: Benign. Last evaluated: 2013-12-30. Review status: criteria provided, single submitter. Criteria: GeneDx Variant Classification (06012015). Collection method: clinical testing. Allele origin: germline. Affected: yes.
Comment: This variant is considered likely benign or benign based on one or more of the following criteria: it is a conservative change, it occurs at a poorly conserved position in the protein, it is predicted to be benign by multiple in silico algorithms, and/or has population frequency not consistent with disease.

Mayo Clinic Laboratories, Mayo Clinic
Classification: Likely benign. Last evaluated: 2016-02-22. Review status: no assertion criteria provided. Collection method: clinical testing. Allele origin: unknown. Not counted in ClinVar's aggregate classification.

NM_025152.3(NUBPL):c.-1C>T

Gene: NUBPL (NUBP iron-sulfur cluster assembly factor, mitochondrial; plus strand). Cytogenetic location: 14q12.
Variant type: single nucleotide variant.
Coding change: c.-1C>T on transcript NM_025152.3 (MANE Select); 1 bases upstream of the start codon, C replaced by T.
Molecular consequence: 5 prime UTR variant. On other transcripts: non-coding transcript variant (1).
Genome position (GRCh38, 1-based): chr14:31,561,439, C>T. VCF-style: chr14-31561439-C-T. GRCh37 (hg19) VCF-style: chr14-32030645-C-T.
Identifiers: ClinVar variation 138567 (VCV000138567.35), dbSNP rs45468395, ClinGen allele CA292627.